The following is an entry in ClinVar:

NM_001371986.1(UNC80):c.7700C>A (p.Thr2567Asn)

Gene: UNC80 (unc-80 subunit of NALCN channel complex; plus strand). Cytogenetic location: 2q34.
Variant type: single nucleotide variant.
Coding change: c.7700C>A on transcript NM_001371986.1 (MANE Select); coding-DNA position 7700, C replaced by A.
Protein change: p.Thr2567Asn; replaces threonine 2567 with asparagine.
Molecular consequence: missense variant.
Genome position (GRCh38, 1-based): chr2:209,959,602, C>A. VCF-style: chr2-209959602-C-A. GRCh37 (hg19) VCF-style: chr2-210824326-C-A.
Other names: c.7502C>A, p.Thr2501Asn (NM_032504.2); c.7487C>A, p.Thr2496Asn (NM_182587.4); short protein forms T2501N, T2496N, T2567N.
Identifiers: ClinVar variation 1502797 (VCV001502797.8), dbSNP rs2125001148, ClinGen allele CA350776849.

ClinVar aggregate classification (germline): Uncertain significance (1 of 4 stars; one submission).

Submission:

Labcorp Genetics (formerly Invitae), Labcorp
Classification: Uncertain significance. Last evaluated: 2021-07-01. Review status: criteria provided, single submitter. Criteria: Invitae Variant Classification Sherloc (09022015). Collection method: clinical testing. Allele origin: germline.
Comment: This variant has not been reported in the literature in individuals affected with UNC80-related conditions. Algorithms developed to predict the effect of missense changes on protein structure and function are either unavailable or do not agree on the potential impact of this missense change (SIFT: "Not Available"; PolyPhen-2: "Probably Damaging"; Align-GVGD: "Not Available"). In summary, the available evidence is currently insufficient to determine the role of this variant in disease. Therefore, it has been classified as a Variant of Uncertain Significance. This variant is not present in population databases (ExAC no frequency). This sequence change replaces threonine with asparagine at codon 2501 of the UNC80 protein (p.Thr2501Asn). The threonine residue is moderately conserved and there is a small physicochemical difference between threonine and asparagine.